The following is an entry in ClinVar:

ClinVar aggregate classification (germline): Likely pathogenic (1 of 4 stars; one submission).

Conditions:
Neurodevelopmental disorder with severe motor impairment and absent language. Also called: NEURODEVELOPMENTAL DISORDER WITH VARIABLE MOTOR AND LANGUAGE IMPAIRMENT. Identifiers: Orphanet 647788, MedGen C4540496, MONDO:0060622, OMIM 617804.

gnomAD v4.1: 1 of 1,596,488 alleles (0.000063%); highest among the groups gnomAD compares: South Asian, 0.0011%; no homozygotes.

Submission:

Pittsburgh Clinical Genomics Laboratory, University of Pittsburgh Medical Center
Classification: Likely pathogenic for Neurodevelopmental disorder with severe motor impairment and absent language. Last evaluated: 2023-08-28. Review status: criteria provided, single submitter. Criteria: ACMG Guidelines, 2015. Collection method: clinical testing. Allele origin: germline. Inheritance: Autosomal dominant inheritance. Affected: yes.
Comment: This sequence variant is a single nucleotide substitution (C>G) at position 3545 of the coding sequence of the DHX30 gene that results in a proline to arginine amino acid change at residue 1182 of the DExH-box helicase 30 protein. This is a novel, de novo variant that is absent from ClinVar and from the gnomAD population database (0 of ~250,000 alleles). This variant is not reported in the literature in individuals with DHX30-related disorders, to our knowledge. Multiple bioinformatic tools predict that this proline to arginine amino acid change would be damaging, and the Pro1182 residue at this position is highly conserved across the vertebrate species examined. Studies examining the functiol consequence of this variant have not been performed, to our knowledge. Based upon the evidence, we consider this variant to be likely pathogenic. ACMG Criteria: PM2, PP3, PS2

NM_138615.3(DHX30):c.3545C>G (p.Pro1182Arg)

Gene: DHX30 (DExH-box helicase 30; plus strand). Cytogenetic location: 3p21.31.
Variant type: single nucleotide variant.
Coding change: c.3545C>G on transcript NM_138615.3 (MANE Select); coding-DNA position 3545, C replaced by G.
Protein change: p.Pro1182Arg; replaces proline 1182 with arginine.
Molecular consequence: missense variant.
Genome position (GRCh38, 1-based): chr3:47,850,080, C>G. VCF-style: chr3-47850080-C-G. GRCh37 (hg19) VCF-style: chr3-47891570-C-G.
Other names: c.3461C>G, p.Pro1154Arg (NM_001330990.2); c.3428C>G, p.Pro1143Arg (NM_014966.4); short protein forms P1143R, P1154R, P1182R.
Identifiers: ClinVar variation 3376258 (VCV003376258.1).